The following is an entry in ClinVar:

NM_152468.5(TMC8):c.987+9C>T

Gene: TMC8 (transmembrane channel like 8; plus strand). Cytogenetic location: 17q25.3.
Variant type: single nucleotide variant.
Coding change: c.987+9C>T on transcript NM_152468.5 (MANE Select); 9 bases into the intron after coding-DNA position 987, C replaced by T.
Molecular consequence: intron variant.
Genome position (GRCh38, 1-based): chr17:78,134,573, C>T. VCF-style: chr17-78134573-C-T. GRCh37 (hg19) VCF-style: chr17-76130654-C-T.
Identifiers: ClinVar variation 1016587 (VCV001016587.4), dbSNP rs543909170, ClinGen allele CA8796678.

ClinVar aggregate classification (germline): Uncertain significance (1 of 4 stars; one submission).

Conditions:
Epidermodysplasia verruciformis. Identifiers: Orphanet 302, MedGen C0014522, MONDO:0009176.

Allele frequency attached by ClinVar (database versions not stated): ExAC 0.00001; TOPMed 0.00002; gnomAD exomes below 0.00001; 1000 Genomes Project 0.00020.

Submission:

Labcorp Genetics (formerly Invitae), Labcorp
Classification: Uncertain significance for Epidermodysplasia verruciformis. Last evaluated: 2022-08-19. Review status: criteria provided, single submitter. Criteria: Invitae Variant Classification Sherloc (09022015). Collection method: clinical testing. Allele origin: germline.
Comment: This sequence change falls in intron 8 of the TMC8 gene. It does not directly change the encoded amino acid sequence of the TMC8 protein. This variant is present in population databases (rs543909170, gnomAD 0.01%). This variant has not been reported in the literature in individuals affected with TMC8-related conditions. ClinVar contains an entry for this variant (Variation ID: 1016587). Algorithms developed to predict the effect of sequence changes on RNA splicing suggest that this variant may disrupt the consensus splice site. In summary, the available evidence is currently insufficient to determine the role of this variant in disease. Therefore, it has been classified as a Variant of Uncertain Significance.